The following is an entry in ClinVar:

NM_001346754.2(PIGW):c.705C>G (p.His235Gln)

Genes: MYO19 (myosin XIX; minus strand), PIGW (phosphatidylinositol glycan anchor biosynthesis class W; plus strand). Cytogenetic location: 17q12.
Variant type: single nucleotide variant.
Coding change: c.705C>G on transcript NM_001346754.2 (MANE Select); coding-DNA position 705, C replaced by G.
Protein change: p.His235Gln; replaces histidine 235 with glutamine.
Molecular consequence: missense variant.
Genome position (GRCh38, 1-based): chr17:36,537,806, C>G. VCF-style: chr17-36537806-C-G. GRCh37 (hg19) VCF-style: chr17-34893655-C-G.
Other names: c.705C>G, p.His235Gln (NM_001346755.2, NM_178517.5); short protein forms H235Q.
Identifiers: ClinVar variation 377070 (VCV000377070.45), dbSNP rs61755368, ClinGen allele CA16603254.

ClinVar aggregate classification (germline): Benign/Likely benign. Review status: criteria provided, multiple submitters, no conflicts (2 of 4 stars). 5 submissions from 5 submitters: Benign (2); Likely benign (3). Last evaluated 2026-09-01.

Conditions:
Hyperphosphatasia with intellectual disability syndrome 5 (GPIBD11). Also called: GLYCOSYLPHOSPHATIDYLINOSITOL BIOSYNTHESIS DEFECT 11. Identifiers: Orphanet 247262, MedGen C4014958, MONDO:0014457, OMIM 616025.

Allele frequency attached by ClinVar (database versions not stated): 1000 Genomes Project 30x 0.00094; 1000 Genomes Project 0.00100; ESP Exome Variant Server 0.00508; TOPMed 0.00558; ExAC 0.00698; gnomAD exomes 0.00748; gnomAD 0.00838 and 0.00885.
gnomAD v4.1: 13,340 of 1,614,112 alleles (0.83%); highest among the groups gnomAD compares: Non-Finnish European, 0.92%; 73 homozygotes.

Submissions (5):

CeGaT Center for Human Genetics Tuebingen
Classification: Likely benign. Last evaluated: 2026-09-01. Review status: criteria provided, single submitter. Criteria: CeGaT Center For Human Genetics Tuebingen Variant Classification Criteria Version 2. Collection method: clinical testing. Allele origin: germline. Affected: yes. Observed: 36 variant alleles.
Comment: PIGW: BS2

Labcorp Genetics (formerly Invitae), Labcorp
Classification: Benign for Hyperphosphatasia with intellectual disability syndrome 5. Last evaluated: 2026-02-03. Review status: criteria provided, single submitter. Criteria: Invitae Variant Classification Sherloc (09022015). Collection method: clinical testing. Allele origin: germline.

GeneDx
Classification: Benign. Last evaluated: 2020-02-25. Review status: criteria provided, single submitter. Criteria: GeneDx Variant Classification Process June 2021. Collection method: clinical testing. Allele origin: germline. Affected: yes.
Comment: This variant is associated with the following publications: (PMID: 28327575)

Center for Pediatric Genomic Medicine, Children's Mercy Hospital and Clinics
Classification: Likely benign. Last evaluated: 2016-11-30. Review status: criteria provided, single submitter. Criteria: ACMG Guidelines, 2015. Collection method: clinical testing. Allele origin: germline.
ClinVar note: Converted during submission from Likely Benign to Likely benign.

Breakthrough Genomics
Classification: Likely benign. Review status: criteria provided, single submitter. Criteria: ACMG Guidelines, 2015. Collection method: not provided. Allele origin: germline. Inheritance: Autosomal recessive inheritance. Affected: yes.